The following is an entry in ClinVar:

ClinVar aggregate classification (germline): Uncertain significance. Review status: criteria provided, multiple submitters, no conflicts (2 of 4 stars). 3 submissions from 3 submitters: Uncertain significance (3). Last evaluated 2025-01-23.

Allele frequency attached by ClinVar (database versions not stated): ExAC 0.00004; gnomAD 0.00005; TOPMed 0.00007.
gnomAD v4.1: 91 of 1,608,474 alleles (0.0057%); highest among the groups gnomAD compares: Non-Finnish European, 0.0073%; no homozygotes.

Submissions (3):

Labcorp Genetics (formerly Invitae), Labcorp
Classification: Uncertain significance. Last evaluated: 2025-01-23. Review status: criteria provided, single submitter. Criteria: Invitae Variant Classification Sherloc (09022015). Collection method: clinical testing. Allele origin: germline.
Comment: This sequence change replaces lysine, which is basic and polar, with glutamine, which is neutral and polar, at codon 78 of the COL4A3 protein (p.Lys78Gln). This variant is present in population databases (rs760637313, gnomAD 0.007%). This variant has not been reported in the literature in individuals affected with COL4A3-related conditions. ClinVar contains an entry for this variant (Variation ID: 2573679). An algorithm developed to predict the effect of missense changes on protein structure and function (PolyPhen-2) suggests that this variant is likely to be disruptive. In summary, the available evidence is currently insufficient to determine the role of this variant in disease. Therefore, it has been classified as a Variant of Uncertain Significance.

GeneDx
Classification: Uncertain significance. Last evaluated: 2024-05-17. Review status: criteria provided, single submitter. Criteria: GeneDx Variant Classification Process June 2021. Collection method: clinical testing. Allele origin: germline.
Comment: In silico analysis supports that this missense variant has a deleterious effect on protein structure/function; Occurs in the triple helical domain at the Y position in the canonical Gly-X-Y repeat; although this variant may have an effect on normal protein folding and function, missense substitution at the Y position is not a common mechanism of disease; Has not been previously published as pathogenic or benign to our knowledge

Clinical Genetics Laboratory, Skane University Hospital Lund
Classification: Uncertain significance. Last evaluated: 2023-06-19. Review status: criteria provided, single submitter. Criteria: ACMG Guidelines, 2015. Collection method: clinical testing. Allele origin: germline. Affected: yes.

NM_000091.5(COL4A3):c.232A>C (p.Lys78Gln)

Genes: COL4A3 (collagen type IV alpha 3 chain; plus strand), MFF-DT (MFF divergent transcript; minus strand). Cytogenetic location: 2q36.3.
Variant type: single nucleotide variant.
Coding change: c.232A>C on transcript NM_000091.5 (MANE Select); coding-DNA position 232, A replaced by C.
Protein change: p.Lys78Gln; replaces lysine 78 with glutamine.
Molecular consequence: missense variant.
Genome position (GRCh38, 1-based): chr2:227,240,230, A>C. VCF-style: chr2-227240230-A-C. GRCh37 (hg19) VCF-style: chr2-228104946-A-C.
Other names: short protein forms K78Q.
Identifiers: ClinVar variation 2573679 (VCV002573679.5), dbSNP rs760637313, ClinGen allele CA2145947.
Genomic context (GRCh38, chr2:227,240,230, plus strand): 5'-GGTTCTCCTGGCCAGAAAGGATTCACAGGTCCTGAAGGCTTGCCTGGACCGCAGGGACCC[A>C]AGGTATGTCATCCTGCAAGCTTGGAAAATCCCCAACCCACCTAACCCTCTTCCTGCCTAC-3'
Protein context (NP_000082.2, residues 68-88): PEGLPGPQGP[Lys78Gln]GFPGLPGLTG